The following is an entry in ClinVar:

NM_006514.4(SCN10A):c.5131C>T (p.Leu1711Phe)

Gene: SCN10A (sodium voltage-gated channel alpha subunit 10; minus strand). Cytogenetic location: 3p22.2.
Variant type: single nucleotide variant.
Coding change: c.5131C>T on transcript NM_006514.4 (MANE Select); coding-DNA position 5131, C replaced by T.
Protein change: p.Leu1711Phe; replaces leucine 1711 with phenylalanine.
Molecular consequence: missense variant.
Genome position (GRCh38, 1-based): chr3:38,698,089, G>A on the plus strand (C>T on the coding strand, the complement: SCN10A is on the minus strand). VCF-style: chr3-38698089-G-A. GRCh37 (hg19) VCF-style: chr3-38739580-G-A.
Other names: c.5128C>T, p.Leu1710Phe (NM_001293306.2); c.4837C>T, p.Leu1613Phe (NM_001293307.2); short protein forms L1613F, L1710F, L1711F.
Identifiers: ClinVar variation 950255 (VCV000950255.10), dbSNP rs2063114690, ClinGen allele CA352154443.
Genomic context (GRCh38, chr3:38,698,089, plus strand): 5'-CCTCCGTGGCCACATTGAAGTTCTCCAGAATCACTGCAATGTACATGTTGACCATGATGA[G>A]GAAGGAGATGATGATGTAGGTGGTGAAGAAGATGATGCCTACGGCTGGGCTCCCACAGTC-3'
Protein context (NP_006505.4, residues 1701-1721): FFTTYIIISF[Leu1711Phe]IMVNMYIAVI

ClinVar aggregate classification (germline): Uncertain significance. Review status: criteria provided, multiple submitters, no conflicts (2 of 4 stars). 2 submissions from 2 submitters: Uncertain significance (2). Last evaluated 2025-01-19.

Conditions:
Brugada syndrome. Also called: Sudden Unexplained Death Syndrome; Sudden Unexplained Nocturnal Death Syndrome (SUNDS); Sudden unexpected nocturnal death syndrome; Sudden unexplained nocturnal death syndrome. Identifiers: Orphanet 130, MedGen C1142166, MONDO:0015263.
Cardiovascular phenotype. Identifiers: MedGen CN230736.

Allele frequency attached by ClinVar (database versions not stated): gnomAD exomes below 0.00001; TOPMed below 0.00001.
gnomAD v4.1: 1 of 1,614,152 alleles (0.000062%); highest among the groups gnomAD compares: Middle Eastern, 0.016%; no homozygotes.

Submissions (2):

Ambry Genetics
Classification: Uncertain significance for Cardiovascular phenotype. Last evaluated: 2025-01-19. Review status: criteria provided, single submitter. Criteria: Ambry Variant Classification Scheme 2023. Collection method: clinical testing. Allele origin: germline.

Labcorp Genetics (formerly Invitae), Labcorp
Classification: Uncertain significance for Brugada syndrome. Last evaluated: 2023-08-10. Review status: criteria provided, single submitter. Criteria: Invitae Variant Classification Sherloc (09022015). Collection method: clinical testing. Allele origin: germline.
Comment: In summary, the available evidence is currently insufficient to determine the role of this variant in disease. Therefore, it has been classified as a Variant of Uncertain Significance. Advanced modeling of protein sequence and biophysical properties (such as structural, functional, and spatial information, amino acid conservation, physicochemical variation, residue mobility, and thermodynamic stability) performed at Invitae indicates that this missense variant is expected to disrupt SCN10A protein function. ClinVar contains an entry for this variant (Variation ID: 950255). This variant has not been reported in the literature in individuals affected with SCN10A-related conditions. This variant is not present in population databases (gnomAD no frequency). This sequence change replaces leucine, which is neutral and non-polar, with phenylalanine, which is neutral and non-polar, at codon 1711 of the SCN10A protein (p.Leu1711Phe).